The following is an entry in ClinVar:

NM_002187.3(IL12B):c.485C>A (p.Ser162Tyr)

Gene: IL12B (interleukin 12B; minus strand). Cytogenetic location: 5q33.3.
Variant type: single nucleotide variant.
Coding change: c.485C>A on transcript NM_002187.3 (MANE Select); coding-DNA position 485, C replaced by A.
Protein change: p.Ser162Tyr; replaces serine 162 with tyrosine.
Molecular consequence: missense variant.
Genome position (GRCh38, 1-based): chr5:159,320,518, G>T on the plus strand (C>A on the coding strand, the complement: IL12B is on the minus strand). VCF-style: chr5-159320518-G-T. GRCh37 (hg19) VCF-style: chr5-158747526-G-T.
Other names: short protein forms S162Y.
Identifiers: ClinVar variation 1450297 (VCV001450297.6), dbSNP rs1352704015, ClinGen allele CA362033042.

ClinVar aggregate classification (germline): Uncertain significance (1 of 4 stars; one submission).

Conditions:
Mendelian susceptibility to mycobacterial diseases due to complete IL12B deficiency. Also called: Immunodeficiency 29; IL12B DEFICIENCY. Identifiers: Orphanet 319558, MedGen C4013948, MONDO:0013954, OMIM 614890.

Submission:

Labcorp Genetics (formerly Invitae), Labcorp
Classification: Uncertain significance for Mendelian susceptibility to mycobacterial diseases due to complete IL12B deficiency. Last evaluated: 2021-10-29. Review status: criteria provided, single submitter. Criteria: Invitae Variant Classification Sherloc (09022015). Collection method: clinical testing. Allele origin: germline.
Comment: This sequence change replaces serine, which is neutral and polar, with tyrosine, which is neutral and polar, at codon 162 of the IL12B protein (p.Ser162Tyr). This variant is not present in population databases (gnomAD no frequency). This variant has not been reported in the literature in individuals affected with IL12B-related conditions. Algorithms developed to predict the effect of missense changes on protein structure and function are either unavailable or do not agree on the potential impact of this missense change (SIFT: "Tolerated"; PolyPhen-2: "Possibly Damaging"; Align-GVGD: "Class C0"). In summary, the available evidence is currently insufficient to determine the role of this variant in disease. Therefore, it has been classified as a Variant of Uncertain Significance.